The following is an entry in ClinVar:

NM_203486.3(DLL3):c.67del (p.Gln23fs)

Gene: DLL3 (delta like canonical Notch ligand 3; plus strand). Cytogenetic location: 19q13.2.
Variant type: Deletion.
Coding change: c.67del on transcript NM_203486.3 (MANE Select); coding-DNA position 67, one base deleted (C; older notation c.67delC).
Protein change: p.Gln23fs; shifts the reading frame from glutamine 23.
Molecular consequence: frameshift variant.
Genome position (GRCh38, 1-based): chr19:39,499,041, C deleted; the last of 5 consecutive C bases (chr19:39,499,037-39,499,041); deleting any one gives the same sequence. VCF-style (leftmost placement, unchanged base first): chr19-39499036-TC-T. GRCh37 (hg19) VCF-style: chr19-39989676-TC-T.
Other names: c.67del, p.Gln23fs (NM_016941.4); short protein forms Q23fs.
Identifiers: ClinVar variation 591956 (VCV000591956.3), dbSNP rs1568447774, ClinGen allele CA891862978.

ClinVar aggregate classification (germline): Likely pathogenic. Review status: criteria provided, single submitter (1 of 4 stars). 2 submissions from 2 submitters: Likely pathogenic (1). 1 of the submissions does not count toward it. Last evaluated 2025-08-07.

Submissions (2):

Dasa
Classification: Likely pathogenic. Last evaluated: 2025-08-07. Review status: criteria provided, single submitter. Criteria: DASA Assertion Criteria. Collection method: clinical testing. Allele origin: germline.
Comment: NM_203486.3(DLL3):c.67del (p.Gln23Argfs*42) is a frameshift variant in DLL3 predicted to alter the reading frame and introduce a premature termination codon and is predicted to result in an absent or altered protein product. Loss of function is an established disease mechanism for DLL3-associated disorders. Also, this variant is absent from population databases. Based on the currently available evidence, this variant is classified as likely pathogenic.

Gharavi Laboratory, Columbia University
Classification: Uncertain significance. Last evaluated: 2018-09-16. Review status: no assertion criteria provided. Criteria: ACMG Guidelines, 2015. Collection method: research. Allele origin: germline. Affected: yes. Not counted in ClinVar's aggregate classification.